The following is an entry in ClinVar:

ClinVar aggregate classification (germline): Uncertain significance (1 of 4 stars; one submission).

Conditions:
Frontotemporal dementia and/or amyotrophic lateral sclerosis 4. Also called: FTDALS4. Identifiers: Orphanet 275872, MedGen C4225325, MONDO:0014641, OMIM 616439.

gnomAD v4.1: 2 of 1,592,364 alleles (0.00013%); highest among the groups gnomAD compares: African/African-American, 0.0027%; no homozygotes.

Submission:

Labcorp Genetics (formerly Invitae), Labcorp
Classification: Uncertain significance for Frontotemporal dementia and/or amyotrophic lateral sclerosis 4. Last evaluated: 2024-04-20. Review status: criteria provided, single submitter. Criteria: Invitae Variant Classification Sherloc (09022015). Collection method: clinical testing. Allele origin: germline.
Comment: This sequence change replaces leucine, which is neutral and non-polar, with valine, which is neutral and non-polar, at codon 113 of the TBK1 protein (p.Leu113Val). This variant is not present in population databases (gnomAD no frequency). This variant has not been reported in the literature in individuals affected with TBK1-related conditions. Advanced modeling of protein sequence and biophysical properties (such as structural, functional, and spatial information, amino acid conservation, physicochemical variation, residue mobility, and thermodynamic stability) performed at Invitae indicates that this missense variant is not expected to disrupt TBK1 protein function with a negative predictive value of 95%. In summary, the available evidence is currently insufficient to determine the role of this variant in disease. Therefore, it has been classified as a Variant of Uncertain Significance.

NM_013254.4(TBK1):c.337T>G (p.Leu113Val)

Gene: TBK1 (TANK binding kinase 1; plus strand). Cytogenetic location: 12q14.2.
Variant type: single nucleotide variant.
Coding change: c.337T>G on transcript NM_013254.4 (MANE Select); coding-DNA position 337, T replaced by G.
Protein change: p.Leu113Val; replaces leucine 113 with valine.
Molecular consequence: missense variant.
Genome position (GRCh38, 1-based): chr12:64,464,442, T>G. VCF-style: chr12-64464442-T-G. GRCh37 (hg19) VCF-style: chr12-64858222-T-G.
Other names: short protein forms L113V.
Identifiers: ClinVar variation 3691778 (VCV003691778.1).